The following is an entry in ClinVar:

NM_017999.5(RNF31):c.942G>C (p.Glu314Asp)

Gene: RNF31 (ring finger protein 31; plus strand). Cytogenetic location: 14q12.
Variant type: single nucleotide variant.
Coding change: c.942G>C on transcript NM_017999.5 (MANE Select); coding-DNA position 942, G replaced by C.
Protein change: p.Glu314Asp; replaces glutamic acid 314 with aspartic acid.
Molecular consequence: missense variant.
Genome position (GRCh38, 1-based): chr14:24,150,193, G>C. VCF-style: chr14-24150193-G-C. GRCh37 (hg19) VCF-style: chr14-24619402-G-C.
Other names: c.489G>C, p.Glu163Asp (NM_001310332.2); short protein forms E163D, E314D.
Identifiers: ClinVar variation 2079227 (VCV002079227.4), dbSNP rs748959329, ClinGen allele CA7125663.
Genomic context (GRCh38, chr14:24,150,193, plus strand): 5'-CCCTAATCCTGCAAGTGCTCATTTGCCCTGGCACTGTGCTGCCTGTGCCATGCTAAATGA[G>C]CCTTGGGCAGTGCTCTGTGTGGCCTGTGATCGGCCCCGAGGCTGTAAGGGGTTGGGGTTG-3'
Protein context (NP_060469.4, residues 304-324): WHCAACAMLN[Glu314Asp]PWAVLCVACD

ClinVar aggregate classification (germline): Uncertain significance (1 of 4 stars; one submission).

Allele frequency attached by ClinVar (database versions not stated): TOPMed below 0.00001; ExAC 0.00001.
gnomAD v4.1: 6 of 1,614,214 alleles (0.00037%); highest among the groups gnomAD compares: Admixed American, 0.0017%; no homozygotes.

Submission:

Labcorp Genetics (formerly Invitae), Labcorp
Classification: Uncertain significance. Last evaluated: 2025-11-10. Review status: criteria provided, single submitter. Criteria: Invitae Variant Classification Sherloc (09022015). Collection method: clinical testing. Allele origin: germline.
Comment: This sequence change replaces glutamic acid, which is acidic and polar, with aspartic acid, which is acidic and polar, at codon 314 of the RNF31 protein (p.Glu314Asp). This variant is present in population databases (rs748959329, gnomAD 0.01%). This variant has not been reported in the literature in individuals affected with RNF31-related conditions. ClinVar contains an entry for this variant (Variation ID: 2079227). An algorithm developed to predict the effect of missense changes on protein structure and function (PolyPhen-2) suggests that this variant is likely to be tolerated. In summary, the available evidence is currently insufficient to determine the role of this variant in disease. Therefore, it has been classified as a Variant of Uncertain Significance.